The following is an entry in ClinVar:

ClinVar aggregate classification (germline): Uncertain significance (1 of 4 stars; one submission).

Conditions:
Cortical dysplasia-focal epilepsy syndrome (PTHSL1). Also called: Pitt-Hopkins-like syndrome 1. Identifiers: Orphanet 163681, Orphanet 221150, MedGen C2750246, MONDO:0012400, OMIM 610042.

Allele frequency attached by ClinVar (database versions not stated): gnomAD exomes below 0.00001 and 0.00001; ExAC 0.00001; gnomAD 0.00001 and 0.00002; TOPMed 0.00001.
gnomAD v4.1: 4 of 1,614,086 alleles (0.00025%); highest among the groups gnomAD compares: Admixed American, 0.0033%; no homozygotes.

Submission:

Labcorp Genetics (formerly Invitae), Labcorp
Classification: Uncertain significance for Cortical dysplasia-focal epilepsy syndrome. Last evaluated: 2025-01-06. Review status: criteria provided, single submitter. Criteria: Invitae Variant Classification Sherloc (09022015). Collection method: clinical testing. Allele origin: germline.
Comment: This sequence change replaces alanine, which is neutral and non-polar, with glutamic acid, which is acidic and polar, at codon 1047 of the CNTNAP2 protein (p.Ala1047Glu). This variant is present in population databases (rs760640326, gnomAD 0.006%). This variant has not been reported in the literature in individuals affected with CNTNAP2-related conditions. ClinVar contains an entry for this variant (Variation ID: 1448088). An algorithm developed to predict the effect of missense changes on protein structure and function (PolyPhen-2) suggests that this variant is likely to be tolerated. In summary, the available evidence is currently insufficient to determine the role of this variant in disease. Therefore, it has been classified as a Variant of Uncertain Significance.

NM_014141.6(CNTNAP2):c.3140C>A (p.Ala1047Glu)

Gene: CNTNAP2 (contactin associated protein 2; plus strand). Cytogenetic location: 7q36.1.
Variant type: single nucleotide variant.
Coding change: c.3140C>A on transcript NM_014141.6 (MANE Select); coding-DNA position 3140, C replaced by A.
Protein change: p.Ala1047Glu; replaces alanine 1047 with glutamic acid.
Molecular consequence: missense variant.
Genome position (GRCh38, 1-based): chr7:148,217,417, C>A. VCF-style: chr7-148217417-C-A. GRCh37 (hg19) VCF-style: chr7-147914509-C-A.
Other names: short protein forms A1047E.
Identifiers: ClinVar variation 1448088 (VCV001448088.10), dbSNP rs760640326, ClinGen allele CA4546560.